The following is an entry in ClinVar:

ClinVar aggregate classification (germline): Uncertain significance. Review status: criteria provided, multiple submitters, no conflicts (2 of 4 stars). 5 submissions from 5 submitters: Uncertain significance (5). Last evaluated 2025-08-08.

Conditions:
Hereditary cancer-predisposing syndrome. Also called: Neoplastic Syndromes, Hereditary; Hereditary Cancer Syndrome; Hereditary neoplastic syndrome; Tumor predisposition. Identifiers: Orphanet 140162, MedGen C0027672, MeSH D009386, MONDO:0015356.
Juvenile polyposis syndrome (JPS). Identifiers: Orphanet 2929, MedGen C0345893, MONDO:0017380, OMIM 174900.
Polyposis syndrome, hereditary mixed, 2. Identifiers: Orphanet 157794, MedGen C1864730, MONDO:0012405, OMIM 610069.

Submissions (5):

GeneDx
Classification: Uncertain significance. Last evaluated: 2025-08-08. Review status: criteria provided, single submitter. Criteria: GeneDx Variant Classification Process June 2021. Collection method: clinical testing. Allele origin: germline. Affected: yes.
Comment: Not observed at significant frequency in large population cohorts (gnomAD); In silico analysis suggests that this missense variant does not alter protein structure/function; Also known as p.(P91A); This variant is associated with the following publications: (PMID: 22799562, 23433720, 10881198)

Ambry Genetics
Classification: Uncertain significance for Hereditary cancer-predisposing syndrome. Last evaluated: 2025-06-25. Review status: criteria provided, single submitter. Criteria: Ambry Variant Classification Scheme 2023. Collection method: clinical testing. Allele origin: germline.
Comment: The p.P114A variant (also known as c.340C>G), located in coding exon 4 of the BMPR1A gene, results from a C to G substitution at nucleotide position 340. The proline at codon 114 is replaced by alanine, an amino acid with highly similar properties. This amino acid position is highly conserved in available vertebrate species. In addition, the in silico prediction for this alteration is inconclusive. Since supporting evidence is limited at this time, the clinical significance of this alteration remains unclear.

Labcorp Genetics (formerly Invitae), Labcorp
Classification: Uncertain significance for Juvenile polyposis syndrome. Last evaluated: 2024-11-26. Review status: criteria provided, single submitter. Criteria: Invitae Variant Classification Sherloc (09022015). Collection method: clinical testing. Allele origin: germline.
Comment: This sequence change replaces proline, which is neutral and non-polar, with alanine, which is neutral and non-polar, at codon 114 of the BMPR1A protein (p.Pro114Ala). This variant is not present in population databases (gnomAD no frequency). This variant has not been reported in the literature in individuals affected with BMPR1A-related conditions. ClinVar contains an entry for this variant (Variation ID: 823741). Invitae Evidence Modeling of protein sequence and biophysical properties (such as structural, functional, and spatial information, amino acid conservation, physicochemical variation, residue mobility, and thermodynamic stability) has been performed for this missense variant. However, the output from this modeling did not meet the statistical confidence thresholds required to predict the impact of this variant on BMPR1A protein function. In summary, the available evidence is currently insufficient to determine the role of this variant in disease. Therefore, it has been classified as a Variant of Uncertain Significance.

Baylor Genetics
Classification: Uncertain significance for Polyposis syndrome, hereditary mixed, 2. Last evaluated: 2023-06-20. Review status: criteria provided, single submitter. Criteria: ACMG Guidelines, 2015. Collection method: clinical testing. Allele origin: unknown.

Fulgent Genetics
Classification: Uncertain significance for Juvenile polyposis syndrome; Polyposis syndrome, hereditary mixed, 2. Last evaluated: 2022-04-21. Review status: criteria provided, single submitter. Criteria: ACMG Guidelines, 2015. Collection method: clinical testing. Allele origin: unknown.

NM_004329.3(BMPR1A):c.340C>G (p.Pro114Ala)

Gene: BMPR1A (bone morphogenetic protein receptor type 1A; plus strand). Cytogenetic location: 10q23.2.
Variant type: single nucleotide variant.
Coding change: c.340C>G on transcript NM_004329.3 (MANE Select); coding-DNA position 340, C replaced by G.
Protein change: p.Pro114Ala; replaces proline 114 with alanine.
Molecular consequence: missense variant.
Genome position (GRCh38, 1-based): chr10:86,899,800, C>G. VCF-style: chr10-86899800-C-G. GRCh37 (hg19) VCF-style: chr10-88659557-C-G.
Other names: short protein forms P114A.
Identifiers: ClinVar variation 823741 (VCV000823741.16), dbSNP rs1554888960, ClinGen allele CA377449274.